The following is an entry in ClinVar:

NM_000548.5(TSC2):c.1766T>A (p.Met589Lys)

Gene: TSC2 (TSC complex subunit 2; plus strand). Cytogenetic location: 16p13.3.
Variant type: single nucleotide variant.
Coding change: c.1766T>A on transcript NM_000548.5 (MANE Select); coding-DNA position 1766, T replaced by A.
Protein change: p.Met589Lys; replaces methionine 589 with lysine.
Molecular consequence: missense variant.
Genome position (GRCh38, 1-based): chr16:2,070,505, T>A. VCF-style: chr16-2070505-T-A. GRCh37 (hg19) VCF-style: chr16-2120506-T-A.
Other names: p.M589K:ATG>AAG; c.1766T>A, p.Met589Lys (NM_001077183.3, NM_001114382.3, NM_001363528.2 and 3 more transcripts); c.1655T>A, p.Met552Lys (NM_001318827.2); c.1619T>A, p.Met540Lys (NM_001318829.2); c.1166T>A, p.Met389Lys (NM_001318831.2); c.1799T>A, p.Met600Lys (NM_001318832.2); short protein forms M589K, M389K, M540K, M552K, M600K.
Identifiers: ClinVar variation 207721 (VCV000207721.5), dbSNP rs796053487, ClinGen allele CA319456.

ClinVar aggregate classification (germline): Uncertain significance. Review status: criteria provided, multiple submitters, no conflicts (2 of 4 stars). 2 submissions from 2 submitters: Uncertain significance (2). Last evaluated 2023-05-22.

Conditions:
Tuberous sclerosis 2 (TSC2). Identifiers: Orphanet 805, MedGen C1860707, MONDO:0013199, OMIM 613254.

Submissions (2):

Labcorp Genetics (formerly Invitae), Labcorp
Classification: Uncertain significance for Tuberous sclerosis 2. Last evaluated: 2023-05-22. Review status: criteria provided, single submitter. Criteria: Invitae Variant Classification Sherloc (09022015). Collection method: clinical testing. Allele origin: germline.
Comment: In summary, the available evidence is currently insufficient to determine the role of this variant in disease. Therefore, it has been classified as a Variant of Uncertain Significance. Advanced modeling of protein sequence and biophysical properties (such as structural, functional, and spatial information, amino acid conservation, physicochemical variation, residue mobility, and thermodynamic stability) performed at Invitae indicates that this missense variant is not expected to disrupt TSC2 protein function. ClinVar contains an entry for this variant (Variation ID: 207721). This variant has not been reported in the literature in individuals affected with TSC2-related conditions. This variant is not present in population databases (gnomAD no frequency). This sequence change replaces methionine, which is neutral and non-polar, with lysine, which is basic and polar, at codon 589 of the TSC2 protein (p.Met589Lys).

GeneDx
Classification: Uncertain significance. Last evaluated: 2013-10-08. Review status: criteria provided, single submitter. Criteria: GeneDx Variant Classification (06012015). Collection method: clinical testing. Allele origin: germline. Affected: yes.
Comment: p.Met589Lys (ATG>AAG): c.1766 T>A in exon 17 of the TSC2 gene (NM_000548.3)The Met589Lys variant has not been published as a mutation, nor has it been reported as a benign polymorphism to our knowledge. It was not observed in approximately 6,500 individuals of European and African American ancestry in the NHLBI Exome Sequencing Project, indicating it is not a common benign variant in these populations. This variant is a non-conservative amino acid substitution of an uncharged, non-polar Methionine residue to a positively charged, polar Lysine residue. However, Met598Lys alters a position that is not conserved across species in the tuberin protein and the amino acid substitution does not occur within known functional domains of the tuberin protein, where many pathogenic missense mutations have been identified (Northrup et al., 2011; Au et al., 2007). In addition, in silico analysis is inconsistent with regard to the effect this variant may have on the protein structure/function. Therefore, based on the currently available information, it is unclear whether Met589Lys is a disease-causing mutation or a rare benign variant. The variant is found in INFANT-EPI panel(s).